The following is an entry in ClinVar:

NM_000214.3(JAG1):c.18G>T (p.Thr6=)

Gene: JAG1 (jagged canonical Notch ligand 1; minus strand). Cytogenetic location: 20p12.2.
Variant type: single nucleotide variant.
Coding change: c.18G>T on transcript NM_000214.3 (MANE Select); coding-DNA position 18, G replaced by T.
Protein change: p.Thr6=; no amino-acid change (threonine 6 retained).
Molecular consequence: synonymous variant.
Genome position (GRCh38, 1-based): chr20:10,673,513, C>A on the plus strand (G>T on the coding strand, the complement: JAG1 is on the minus strand). VCF-style: chr20-10673513-C-A. GRCh37 (hg19) VCF-style: chr20-10654161-C-A.
Identifiers: ClinVar variation 4997652 (VCV004997652.1).
Genomic context (GRCh38, chr20:10,673,513, plus strand): 5'-GGCTCGCAGGGCACAGAGCAGGGCGAGCAGGAGGCTTAGGGGGCGCCCGGACCGGCCGCG[C>A]GTCCGTGGGGAACGCATCGCTGCGCCGCGCGCCGCGGGCACTCGGGACGCCGCCGCTGCT-3'
Protein context (NP_000205.1, residues 1-16): MRSPR[Thr6=]RGRSGRPLSL

ClinVar aggregate classification (germline): Likely benign (1 of 4 stars; one submission).

Conditions:
JAG1-related disorder. Also called: JAG1-related condition; JAG1-related disorders.

gnomAD v4.1: 2 of 1,263,474 alleles (0.00016%); highest among the groups gnomAD compares: African/African-American, 0.0031%; no homozygotes.

Submission:

PreventionGenetics, part of Exact Sciences
Classification: Likely benign for JAG1-related condition. Last evaluated: 2026-02-17. Review status: criteria provided, single submitter. Criteria: ACMG Guidelines, 2015. Collection method: clinical testing. Allele origin: germline.
Comment: This variant is classified as likely benign based on ACMG/AMP sequence variant interpretation guidelines (Richards et al. 2015 PMID: 25741868, with internal and published modifications).